The following is an entry in ClinVar:

NM_015214.3(DDHD2):c.296A>C (p.Tyr99Ser)

Gene: DDHD2 (DDHD domain containing 2; plus strand). Cytogenetic location: 8p11.23.
Variant type: single nucleotide variant.
Coding change: c.296A>C on transcript NM_015214.3 (MANE Select); coding-DNA position 296, A replaced by C.
Protein change: p.Tyr99Ser; replaces tyrosine 99 with serine.
Molecular consequence: missense variant. On other transcripts: non-coding transcript variant (2).
Genome position (GRCh38, 1-based): chr8:38,234,469, A>C. VCF-style: chr8-38234469-A-C. GRCh37 (hg19) VCF-style: chr8-38091987-A-C.
Other names: c.296A>C, p.Tyr99Ser (NM_001164232.2, NM_001164234.2, NM_001362911.2 and 3 more transcripts); c.296A>C (NM_015214.2); short protein forms Y99S.
Identifiers: ClinVar variation 2416406 (VCV002416406.4), dbSNP rs767339299, ClinGen allele CA4715927.

ClinVar aggregate classification (germline): Uncertain significance. Review status: criteria provided, multiple submitters, no conflicts (2 of 4 stars). 2 submissions from 2 submitters: Uncertain significance (2). Last evaluated 2023-11-27.

Conditions:
Hereditary spastic paraplegia 54. Also called: Spastic paraplegia 54, autosomal recessive. Identifiers: Orphanet 320380, MedGen C3539495, MONDO:0014018, OMIM 615033.
Inborn genetic diseases. Identifiers: MedGen C0950123, MeSH D030342.

Allele frequency attached by ClinVar (database versions not stated): ExAC 0.00001; gnomAD 0.00001; gnomAD exomes 0.00001.
gnomAD v4.1: 16 of 1,612,900 alleles (0.00099%); highest among the groups gnomAD compares: South Asian, 0.014%; no homozygotes.

Submissions (2):

Ambry Genetics
Classification: Uncertain significance for Inborn genetic diseases. Last evaluated: 2023-11-27. Review status: criteria provided, single submitter. Criteria: Ambry Variant Classification Scheme 2023. Collection method: clinical testing. Allele origin: germline.

Labcorp Genetics (formerly Invitae), Labcorp
Classification: Uncertain significance for Hereditary spastic paraplegia 54. Last evaluated: 2022-08-22. Review status: criteria provided, single submitter. Criteria: Invitae Variant Classification Sherloc (09022015). Collection method: clinical testing. Allele origin: germline.
Comment: This sequence change replaces tyrosine, which is neutral and polar, with serine, which is neutral and polar, at codon 99 of the DDHD2 protein (p.Tyr99Ser). This variant is present in population databases (rs767339299, gnomAD 0.02%). This variant has not been reported in the literature in individuals affected with DDHD2-related conditions. Algorithms developed to predict the effect of missense changes on protein structure and function are either unavailable or do not agree on the potential impact of this missense change (SIFT: "Tolerated"; PolyPhen-2: "Possibly Damaging"; Align-GVGD: "Class C0"). In summary, the available evidence is currently insufficient to determine the role of this variant in disease. Therefore, it has been classified as a Variant of Uncertain Significance.